The following is an entry in ClinVar:

ClinVar aggregate classification (germline): Likely benign (1 of 4 stars; one submission).

gnomAD v4.1: 14 of 296,773 alleles (0.0047%); highest among the groups gnomAD compares: East Asian, 0.0095%; no homozygotes.

Submission:

CeGaT Center for Human Genetics Tuebingen
Classification: Likely benign. Last evaluated: 2022-03-01. Review status: criteria provided, single submitter. Criteria: CeGaT Center For Human Genetics Tuebingen Variant Classification Criteria Version 2. Collection method: clinical testing. Allele origin: germline. Affected: yes. Observed: 1 variant allele.
Comment: PNMA6E: BP4, BP7

NM_001367770.1(PNMA6E):c.1590C>T (p.Ser530=)

Gene: PNMA6E (PNMA family member 6E; minus strand). Cytogenetic location: Xq28.
Variant type: single nucleotide variant.
Coding change: c.1590C>T on transcript NM_001367770.1 (MANE Select); coding-DNA position 1590, C replaced by T.
Protein change: p.Ser530=; no amino-acid change (serine 530 retained).
Molecular consequence: synonymous variant.
Genome position (GRCh38, 1-based): chrX:153,397,260, G>A on the plus strand (C>T on the coding strand, the complement: PNMA6E is on the minus strand). VCF-style: chrX-153397260-G-A. GRCh37 (hg19) VCF-style: chrX-152662718-G-A.
Other names: c.756C>T, p.Ser252= (NM_001351293.2, NM_001351294.2).
Identifiers: ClinVar variation 2661680 (VCV002661680.24), dbSNP rs926361569, ClinGen allele CA337656121.